The following is an entry in ClinVar:

ClinVar aggregate classification (germline): Likely pathogenic. Review status: criteria provided, multiple submitters, no conflicts (2 of 4 stars). 3 submissions from 3 submitters: Likely pathogenic (3). Last evaluated 2026-01-27.

Conditions:
Cardiovascular phenotype. Identifiers: MedGen CN230736.
Dilated cardiomyopathy 1G (CMD1G). Identifiers: Orphanet 154, MedGen C1858763, MONDO:0011400, OMIM 604145.
Autosomal recessive limb-girdle muscular dystrophy type 2J (LGMDR10). Also called: Limb-girdle muscular dystrophy, type 2J; MUSCULAR DYSTROPHY, LIMB-GIRDLE, AUTOSOMAL RECESSIVE 10. Identifiers: Orphanet 140922, MedGen C1837342, MONDO:0012127, OMIM 608807.

Allele frequency attached by ClinVar (database versions not stated): gnomAD exomes below 0.00001; ExAC 0.00001; gnomAD 0.00001 and 0.00002; TOPMed 0.00001.

Submissions (3):

Labcorp Genetics (formerly Invitae), Labcorp
Classification: Likely pathogenic for Dilated cardiomyopathy 1G; Autosomal recessive limb-girdle muscular dystrophy type 2J. Last evaluated: 2026-01-27. Review status: criteria provided, single submitter. Criteria: Invitae Variant Classification Sherloc (09022015). Collection method: clinical testing. Allele origin: germline.
Comment: This sequence change creates a premature translational stop signal (p.Val19284Tyrfs*18) in the TTN gene. While this is not anticipated to result in nonsense mediated decay, it is expected to create a truncated TTN protein. This variant is present in population databases (rs776385412, gnomAD 0.008%). This variant has not been reported in the literature in individuals affected with TTN-related conditions. ClinVar contains an entry for this variant (Variation ID: 453177). This variant is located in the A band of TTN (PMID: 25589632). Truncating variants in this region are significantly overrepresented in patients affected with dilated cardiomyopathy (PMID: 25589632). Truncating variants in this region have also been reported in individuals affected with autosomal recessive centronuclear myopathy (PMID: 23975875). In summary, the currently available evidence indicates that the variant is pathogenic, but additional data are needed to prove that conclusively. Therefore, this variant has been classified as Likely Pathogenic.

Ambry Genetics
Classification: Likely pathogenic for Cardiovascular phenotype. Last evaluated: 2024-08-08. Review status: criteria provided, single submitter. Criteria: Ambry Variant Classification Scheme 2023. Collection method: clinical testing. Allele origin: germline.
Comment: The c.30654delT variant, located in coding exon 123 of the TTN gene, results from a deletion of one nucleotide at nucleotide position 30654, causing a translational frameshift with a predicted alternate stop codon (p.V10219Yfs*18). This exon is located in the A-band region of the N2-B isoform of the titin protein and is constitutively expressed in TTN transcripts (percent spliced in or PSI 100%). This alteration is expected to result in loss of function by premature protein truncation or nonsense-mediated mRNA decay. While truncating variants in TTN are present in 1-3% of the general population, truncating variants in the A-band are the most common cause of dilated cardiomyopathy (DCM) (Herman DS et al. N. Engl. J. Med., 2012 Feb;366:619-28; Roberts AM et al. Sci Transl Med, 2015 Jan;7:270ra6). TTN truncating variants encoded in constitutive exons (PSI >90%) have been found to be significantly associated with DCM regardless of their position in titin (Schafer S et al. Nat. Genet., 2017 01;49:46-53). Based on the majority of available evidence to date, this variant is likely to be pathogenic.

GeneDx
Classification: Likely pathogenic. Last evaluated: 2022-05-18. Review status: criteria provided, single submitter. Criteria: GeneDx Variant Classification Process June 2021. Collection method: clinical testing. Allele origin: germline. Affected: yes.
Comment: Frameshift variant predicted to result in protein truncation or nonsense mediated decay in a gene for which loss of function is a known mechanism of disease; Located in the A-band region of titin, where the majority of truncating pathogenic variants associated with DCM have been reported (Herman et al., 2012); Not observed at significant frequency in large population cohorts (gnomAD); Has not been previously published as pathogenic or benign to our knowledge; This variant is associated with the following publications: (PMID: 23975875)

Literature cited by the submitters: PubMed 25589632 (cited by Labcorp Genetics (formerly Invitae), Labcorp); PubMed 23975875 (cited by Labcorp Genetics (formerly Invitae), Labcorp).

NM_001267550.2(TTN):c.57849del (p.Val19284fs)

Genes: TTN-AS1 (TTN antisense RNA 1; plus strand), TTN (titin; minus strand). Cytogenetic location: 2q31.2.
Variant type: Deletion.
Coding change: c.57849del on transcript NM_001267550.2 (MANE Select); coding-DNA position 57849, one base deleted (T; older notation c.57849delT).
Protein change: p.Val19284fs; shifts the reading frame from valine 19284.
Molecular consequence: frameshift variant.
Genome position (GRCh38, 1-based): chr2:178,594,645, A deleted on the plus strand (T on the coding strand, the reverse complement: TTN is on the minus strand). VCF-style (leftmost placement, unchanged base first): chr2-178594644-CA-C. GRCh37 (hg19) VCF-style: chr2-179459371-CA-C.
Other names: c.30654delT (NM_003319.4); c.57849del (NM_001267550.1); c.52926delT (NM_001256850.1); c.52926del, p.Val17643fs (NM_001256850.1); c.30654del, p.Val10219fs (NM_003319.4); c.50145del, p.Val16716fs (NM_133378.4); c.31029del, p.Val10344fs (NM_133432.3); c.31230del, p.Val10411fs (NM_133437.4); short protein forms V10219fs, V16716fs, V17643fs, V19284fs, V10344fs, V10411fs.
Identifiers: ClinVar variation 453177 (VCV000453177.10), dbSNP rs776385412, ClinGen allele CA1992974.